The following is an entry in ClinVar:

ClinVar aggregate classification (germline): Uncertain significance (1 of 4 stars; one submission).

Submission:

Labcorp Genetics (formerly Invitae), Labcorp
Classification: Uncertain significance. Last evaluated: 2024-01-17. Review status: criteria provided, single submitter. Criteria: Invitae Variant Classification Sherloc (09022015). Collection method: clinical testing. Allele origin: germline.
Comment: This sequence change replaces valine, which is neutral and non-polar, with methionine, which is neutral and non-polar, at codon 503 of the TNNI3K protein (p.Val503Met). This variant is not present in population databases (gnomAD no frequency). This variant has not been reported in the literature in individuals affected with TNNI3K-related conditions. Advanced modeling of protein sequence and biophysical properties (such as structural, functional, and spatial information, amino acid conservation, physicochemical variation, residue mobility, and thermodynamic stability) performed at Invitae indicates that this missense variant is not expected to disrupt TNNI3K protein function with a negative predictive value of 80%. In summary, the available evidence is currently insufficient to determine the role of this variant in disease. Therefore, it has been classified as a Variant of Uncertain Significance.

NM_015978.3(TNNI3K):c.1507G>A (p.Val503Met)

Genes: TNNI3K (TNNI3 interacting kinase; plus strand), FPGT-TNNI3K (FPGT-TNNI3K readthrough; plus strand). Cytogenetic location: 1p31.1.
Variant type: single nucleotide variant.
Coding change: c.1507G>A on transcript NM_015978.3 (MANE Select); coding-DNA position 1507, G replaced by A.
Protein change: p.Val503Met; replaces valine 503 with methionine.
Molecular consequence: missense variant.
Genome position (GRCh38, 1-based): chr1:74,369,425, G>A. VCF-style: chr1-74369425-G-A. GRCh37 (hg19) VCF-style: chr1-74835109-G-A.
Other names: c.1810G>A, p.Val604Met (NM_001112808.3, NM_001199327.2); short protein forms V503M, V604M.
Identifiers: ClinVar variation 2709668 (VCV002709668.3), dbSNP rs2524470633, ClinGen allele CA340786120.